The following is an entry in ClinVar:

NM_000784.4(CYP27A1):c.-2C>G

Gene: CYP27A1 (cytochrome P450 family 27 subfamily A member 1; plus strand). Cytogenetic location: 2q35.
Variant type: single nucleotide variant.
Coding change: c.-2C>G on transcript NM_000784.4 (MANE Select); 2 bases upstream of the start codon, C replaced by G.
Molecular consequence: 5 prime UTR variant.
Genome position (GRCh38, 1-based): chr2:218,782,181, C>G. VCF-style: chr2-218782181-C-G. GRCh37 (hg19) VCF-style: chr2-219646904-C-G.
Identifiers: ClinVar variation 4981549 (VCV004981549.1).
Genomic context (GRCh38, chr2:218,782,181, plus strand): 5'-TGTCTGGGCGGGTCCGGGGACTCAGCACTCGACCCAAAGGTGCAGGCGCGCGAGCACAAC[C>G]CATGGCTGCGCTGGGCTGCGCGAGGCTGAGGTGGGCGCTGCGAGGGGCCGGCCGTGGCCT-3'

ClinVar aggregate classification (germline): Likely benign (1 of 4 stars; one submission).

Conditions:
CYP27A1-related disorder. Also called: CYP27A1-related condition.

gnomAD v4.1: 8 of 1,536,160 alleles (0.00052%); highest among the groups gnomAD compares: South Asian, 0.006%; no homozygotes.

Submission:

PreventionGenetics, part of Exact Sciences
Classification: Likely benign for CYP27A1-related condition. Last evaluated: 2026-01-08. Review status: criteria provided, single submitter. Criteria: ACMG Guidelines, 2015. Collection method: clinical testing. Allele origin: germline.
Comment: This variant is classified as likely benign based on ACMG/AMP sequence variant interpretation guidelines (Richards et al. 2015 PMID: 25741868, with internal and published modifications).